The following is an entry in ClinVar:

NM_001999.4(FBN2):c.799C>T (p.Pro267Ser)

Gene: FBN2 (fibrillin 2; minus strand). Cytogenetic location: 5q23.3.
Variant type: single nucleotide variant.
Coding change: c.799C>T on transcript NM_001999.4 (MANE Select); coding-DNA position 799, C replaced by T.
Protein change: p.Pro267Ser; replaces proline 267 with serine.
Molecular consequence: missense variant.
Genome position (GRCh38, 1-based): chr5:128,464,751, G>A on the plus strand (C>T on the coding strand, the complement: FBN2 is on the minus strand). VCF-style: chr5-128464751-G-A. GRCh37 (hg19) VCF-style: chr5-127800444-G-A.
Other names: p.Pro267Ser; short protein forms P267S.
Identifiers: ClinVar variation 847227 (VCV000847227.12), dbSNP rs1229950368, ClinGen allele CA360754747.
Genomic context (GRCh38, chr5:128,464,751, plus strand): 5'-GCGATGGTGTGCACAGGCAGACAGCTGACTCACCTTGGCAAGCTCCAGTGCGGATGTTGG[G>A]GATGAAACCCCGTCGGCAGGGCTGAGGCTGGGCTGGACACATCTCACAGGGATGGCCCCA-3'
Protein context (NP_001990.2, residues 257-277): QPQPCRRGFI[Pro267Ser]NIRTGACQDV

ClinVar aggregate classification (germline): Uncertain significance. Review status: criteria provided, multiple submitters, no conflicts (2 of 4 stars). 2 submissions from 2 submitters: Uncertain significance (2). Last evaluated 2024-09-09.

Conditions:
Congenital contractural arachnodactyly (CCA). Also called: BEALS SYNDROME; Beals-Hecht syndrome; Arthrogryposis, distal, type 9. Identifiers: Orphanet 115, MedGen C0220668, MONDO:0007363, OMIM 121050.

Allele frequency attached by ClinVar (database versions not stated): gnomAD exomes below 0.00001 and 0.00001.
gnomAD v4.1: 3 of 1,613,866 alleles (0.00019%); highest among the groups gnomAD compares: Non-Finnish European, 0.00025%; no homozygotes.

Submissions (2):

Mayo Clinic Laboratories, Mayo Clinic
Classification: Uncertain significance. Last evaluated: 2024-09-09. Review status: criteria provided, single submitter. Criteria: ACMG Guidelines, 2015. Collection method: clinical testing. Allele origin: germline. Observed: 1 variant allele.
Comment: PM2

Labcorp Genetics (formerly Invitae), Labcorp
Classification: Uncertain significance for Congenital contractural arachnodactyly. Last evaluated: 2019-02-22. Review status: criteria provided, single submitter. Criteria: Invitae Variant Classification Sherloc (09022015). Collection method: clinical testing. Allele origin: germline.
Comment: This sequence change replaces proline with serine at codon 267 of the FBN2 protein (p.Pro267Ser). The proline residue is highly conserved and there is a moderate physicochemical difference between proline and serine. This variant is not present in population databases (ExAC no frequency). This variant has not been reported in the literature in individuals with FBN2-related conditions. Algorithms developed to predict the effect of missense changes on protein structure and function are either unavailable or do not agree on the potential impact of this missense change (SIFT: "Deleterious"; PolyPhen-2: "Possibly Damaging"; Align-GVGD: "Class C0"). In summary, the available evidence is currently insufficient to determine the role of this variant in disease. Therefore, it has been classified as a Variant of Uncertain Significance.